The following is an entry in ClinVar:

ClinVar aggregate classification (germline): Uncertain significance (1 of 4 stars; one submission).

Conditions:
Hypertrophic cardiomyopathy 20. Identifiers: MedGen C3151267, MONDO:0013477, OMIM 613876.
Dilated cardiomyopathy 1CC (CMD1CC). Identifiers: Orphanet 154, MedGen C2751084, MONDO:0013147, OMIM 613122.

gnomAD v4.1: 1 of 1,607,272 alleles (0.000062%); highest among the groups gnomAD compares: South Asian, 0.0011%; no homozygotes.

Submission:

Labcorp Genetics (formerly Invitae), Labcorp
Classification: Uncertain significance for Dilated cardiomyopathy 1CC; Hypertrophic cardiomyopathy 20. Last evaluated: 2024-12-16. Review status: criteria provided, single submitter. Criteria: Invitae Variant Classification Sherloc (09022015). Collection method: clinical testing. Allele origin: germline.
Comment: This sequence change replaces valine, which is neutral and non-polar, with alanine, which is neutral and non-polar, at codon 176 of the NEXN protein (p.Val176Ala). This variant is not present in population databases (gnomAD no frequency). This variant has not been reported in the literature in individuals affected with NEXN-related conditions. Invitae Evidence Modeling of protein sequence and biophysical properties (such as structural, functional, and spatial information, amino acid conservation, physicochemical variation, residue mobility, and thermodynamic stability) indicates that this missense variant is not expected to disrupt NEXN protein function with a negative predictive value of 80%. In summary, the available evidence is currently insufficient to determine the role of this variant in disease. Therefore, it has been classified as a Variant of Uncertain Significance.

NM_144573.4(NEXN):c.527T>C (p.Val176Ala)

Gene: NEXN (nexilin F-actin binding protein; plus strand). Cytogenetic location: 1p31.1.
Variant type: single nucleotide variant.
Coding change: c.527T>C on transcript NM_144573.4 (MANE Select); coding-DNA position 527, T replaced by C.
Protein change: p.Val176Ala; replaces valine 176 with alanine.
Molecular consequence: missense variant.
Genome position (GRCh38, 1-based): chr1:77,926,451, T>C. VCF-style: chr1-77926451-T-C. GRCh37 (hg19) VCF-style: chr1-78392136-T-C.
Other names: c.335T>C, p.Val112Ala (NM_001172309.2); short protein forms V112A, V176A.
Identifiers: ClinVar variation 3760537 (VCV003760537.2).